The following is an entry in ClinVar:

NM_000321.3(RB1):c.1452G>A (p.Met484Ile)

Gene: RB1 (RB transcriptional corepressor 1; plus strand). Cytogenetic location: 13q14.2.
Variant type: single nucleotide variant.
Coding change: c.1452G>A on transcript NM_000321.3 (MANE Select); coding-DNA position 1452, G replaced by A.
Protein change: p.Met484Ile; replaces methionine 484 with isoleucine.
Molecular consequence: missense variant.
Genome position (GRCh38, 1-based): chr13:48,380,195, G>A. VCF-style: chr13-48380195-G-A. GRCh37 (hg19) VCF-style: chr13-48954331-G-A.
Other names: c.1452G>A, p.Met484Ile (NM_001407165.1, NM_001407166.1); short protein forms M484I.
Identifiers: ClinVar variation 1772985 (VCV001772985.2), dbSNP rs2138142907, ClinGen allele CA388162829.

ClinVar aggregate classification (germline): Uncertain significance (1 of 4 stars; one submission).

Conditions:
Hereditary cancer-predisposing syndrome. Also called: Hereditary Cancer Syndrome; Hereditary neoplastic syndrome; Neoplastic Syndromes, Hereditary; Tumor predisposition. Identifiers: Orphanet 140162, MedGen C0027672, MeSH D009386, MONDO:0015356.

Allele frequency attached by ClinVar (database versions not stated): gnomAD exomes below 0.00001.
gnomAD v4.1: 1 of 1,585,080 alleles (0.000063%); highest among the groups gnomAD compares: Non-Finnish European, 0.000086%; no homozygotes.

Submission:

Ambry Genetics
Classification: Uncertain significance for Hereditary cancer-predisposing syndrome. Last evaluated: 2022-09-21. Review status: criteria provided, single submitter. Criteria: Ambry Variant Classification Scheme 2023. Collection method: clinical testing. Allele origin: germline.
Comment: The p.M484I variant (also known as c.1452G>A), located in coding exon 16 of the RB1 gene, results from a G to A substitution at nucleotide position 1452. The methionine at codon 484 is replaced by isoleucine, an amino acid with highly similar properties. This amino acid position is conserved. In addition, this alteration is predicted to be tolerated by in silico analysis. Since supporting evidence is limited at this time, the clinical significance of this alteration remains unclear.